The following is an entry in ClinVar:

ClinVar aggregate classification (germline): Uncertain significance (1 of 4 stars; one submission).

Conditions:
Dyskeratosis congenita. Identifiers: Orphanet 1775, MedGen C0265965, MONDO:0015780.

Allele frequency attached by ClinVar (database versions not stated): gnomAD exomes below 0.00001; ExAC 0.00002; TOPMed 0.00003.

Submission:

Labcorp Genetics (formerly Invitae), Labcorp
Classification: Uncertain significance for Dyskeratosis congenita. Last evaluated: 2024-08-17. Review status: criteria provided, single submitter. Criteria: Invitae Variant Classification Sherloc (09022015). Collection method: clinical testing. Allele origin: germline.
Comment: This sequence change replaces arginine, which is basic and polar, with histidine, which is basic and polar, at codon 292 of the CTC1 protein (p.Arg292His). This variant is present in population databases (rs200768201, gnomAD 0.006%). This variant has not been reported in the literature in individuals affected with CTC1-related conditions. ClinVar contains an entry for this variant (Variation ID: 1896989). Invitae Evidence Modeling of protein sequence and biophysical properties (such as structural, functional, and spatial information, amino acid conservation, physicochemical variation, residue mobility, and thermodynamic stability) indicates that this missense variant is not expected to disrupt CTC1 protein function with a negative predictive value of 80%. In summary, the available evidence is currently insufficient to determine the role of this variant in disease. Therefore, it has been classified as a Variant of Uncertain Significance.

NM_025099.6(CTC1):c.875G>A (p.Arg292His)

Gene: CTC1 (CST telomere replication complex component 1; minus strand). Cytogenetic location: 17p13.1.
Variant type: single nucleotide variant.
Coding change: c.875G>A on transcript NM_025099.6 (MANE Select); coding-DNA position 875, G replaced by A.
Protein change: p.Arg292His; replaces arginine 292 with histidine.
Molecular consequence: missense variant. On other transcripts: non-coding transcript variant (1).
Genome position (GRCh38, 1-based): chr17:8,236,260, C>T on the plus strand (G>A on the coding strand, the complement: CTC1 is on the minus strand). VCF-style: chr17-8236260-C-T. GRCh37 (hg19) VCF-style: chr17-8139578-C-T.
Other names: c.875G>A, p.Arg292His (NM_001411067.1); short protein forms R292H.
Identifiers: ClinVar variation 1896989 (VCV001896989.4), dbSNP rs200768201, ClinGen allele CA8372531.